The following is an entry in ClinVar:

ClinVar aggregate classification (germline): Uncertain significance (1 of 4 stars; one submission).

Conditions:
Cataract 12 multiple types. Identifiers: Orphanet 91492, MedGen C3808115, MONDO:0012701, OMIM 611597.

Submission:

Labcorp Genetics (formerly Invitae), Labcorp
Classification: Uncertain significance for Cataract 12 multiple types. Last evaluated: 2022-06-02. Review status: criteria provided, single submitter. Criteria: Invitae Variant Classification Sherloc (09022015). Collection method: clinical testing. Allele origin: germline.
Comment: Algorithms developed to predict the effect of missense changes on protein structure and function are either unavailable or do not agree on the potential impact of this missense change (SIFT: "Deleterious"; PolyPhen-2: "Probably Damaging"; Align-GVGD: "Class C0"). In summary, the available evidence is currently insufficient to determine the role of this variant in disease. Therefore, it has been classified as a Variant of Uncertain Significance. This variant has not been reported in the literature in individuals affected with BFSP2-related conditions. This variant is not present in population databases (gnomAD no frequency). This sequence change replaces glutamic acid, which is acidic and polar, with lysine, which is basic and polar, at codon 380 of the BFSP2 protein (p.Glu380Lys).

NM_003571.4(BFSP2):c.1138G>A (p.Glu380Lys)

Genes: BFSP2 (beaded filament structural protein 2; plus strand), BFSP2-AS1 (BFSP2 antisense RNA 1; minus strand). Cytogenetic location: 3q22.1.
Variant type: single nucleotide variant.
Coding change: c.1138G>A on transcript NM_003571.4 (MANE Select); coding-DNA position 1138, G replaced by A.
Protein change: p.Glu380Lys; replaces glutamic acid 380 with lysine.
Molecular consequence: missense variant.
Genome position (GRCh38, 1-based): chr3:133,472,459, G>A. VCF-style: chr3-133472459-G-A. GRCh37 (hg19) VCF-style: chr3-133191303-G-A.
Other names: short protein forms E380K.
Identifiers: ClinVar variation 2001969 (VCV002001969.4), dbSNP rs1259606966, ClinGen allele CA354587097.
Genomic context (GRCh38, chr3:133,472,459, plus strand): 5'-CTCCAGAACCTGGGCGCTGTGGTCGGCCGGCTGGAGGCGGAGCTCAGGGAAATCCGAGCG[G>A]AGGCGGAGCAGCAGCAACAGGAGCGCGCGCATCTGCTGGCCCGCAAGTGCCAGCTGCAGA-3'
Protein context (NP_003562.1, residues 370-390): LEAELREIRA[Glu380Lys]AEQQQQERAH